The following is an entry in ClinVar:

ClinVar aggregate classification (germline): Likely pathogenic (0 of 4 stars; one submission).

Conditions:
Hirschsprung disease, susceptibility to, 1 (HSCR1). Also called: RET-Related Hirschsprung Disease. Identifiers: Orphanet 388, MedGen C3888239, MONDO:0007723, OMIM 142623.

Allele frequency attached by ClinVar (database versions not stated): gnomAD exomes below 0.00001.

Submission:

Centre for Genomic Sciences, University of Hong Kong
Classification: Likely pathogenic for Hirschsprung disease, susceptibility to, 1. Last evaluated: 2016-09-27. Review status: no assertion criteria provided. Collection method: in vivo. Allele origin: not applicable. Inheritance: Autosomal dominant inheritance.
Comment: Predicted damaging SNV

NM_016320.5(NUP98):c.5207A>G (p.Asn1736Ser)

Gene: NUP98 (nucleoporin 98 and 96 precursor; minus strand). Cytogenetic location: 11p15.4.
Variant type: single nucleotide variant.
Coding change: c.5207A>G on transcript NM_016320.5 (MANE Select); coding-DNA position 5207, A replaced by G.
Protein change: p.Asn1736Ser; replaces asparagine 1736 with serine.
Molecular consequence: missense variant. On other transcripts: non-coding transcript variant (3).
Genome position (GRCh38, 1-based): chr11:3,676,355, T>C on the plus strand (A>G on the coding strand, the complement: NUP98 is on the minus strand). VCF-style: chr11-3676355-T-C. GRCh37 (hg19) VCF-style: chr11-3697585-T-C.
Other names: c.5300A>G, p.Asn1767Ser (NM_001365125.2); c.5258A>G, p.Asn1753Ser (NM_001365126.2); c.5183A>G, p.Asn1728Ser (NM_001365127.2); c.5156A>G, p.Asn1719Ser (NM_001365128.2); c.5066A>G, p.Asn1689Ser (NM_001365129.2); c.4985A>G, p.Asn1662Ser (NM_139132.4); short protein forms N1662S, N1736S, N1689S, N1728S, N1753S, N1767S, N1719S.
Identifiers: ClinVar variation 375277 (VCV000375277.1), dbSNP rs1057519323, ClinGen allele CA16044029.